The following is an entry in ClinVar:

NM_000458.4(HNF1B):c.1483A>G (p.Met495Val)

Gene: HNF1B (HNF1 homeobox B; minus strand). Cytogenetic location: 17q12.
Variant type: single nucleotide variant.
Coding change: c.1483A>G on transcript NM_000458.4 (MANE Select); coding-DNA position 1483, A replaced by G.
Protein change: p.Met495Val; replaces methionine 495 with valine.
Molecular consequence: missense variant. On other transcripts: intron variant (1).
Genome position (GRCh38, 1-based): chr17:37,701,034, T>C on the plus strand (A>G on the coding strand, the complement: HNF1B is on the minus strand). VCF-style: chr17-37701034-T-C. GRCh37 (hg19) VCF-style: chr17-36061039-T-C.
Other names: c.1405A>G, p.Met469Val (NM_001165923.4); c.1483A>G, p.Met495Val (NM_001411100.1); c.1261+3883A>G (NM_001304286.2); short protein forms M495V, M469V.
Identifiers: ClinVar variation 2727767 (VCV002727767.3), dbSNP rs1484612884, ClinGen allele CA398755042.

ClinVar aggregate classification (germline): Uncertain significance (1 of 4 stars; one submission).

Submission:

Labcorp Genetics (formerly Invitae), Labcorp
Classification: Uncertain significance. Last evaluated: 2024-01-04. Review status: criteria provided, single submitter. Criteria: Invitae Variant Classification Sherloc (09022015). Collection method: clinical testing. Allele origin: germline.
Comment: This sequence change replaces methionine, which is neutral and non-polar, with valine, which is neutral and non-polar, at codon 495 of the HNF1B protein (p.Met495Val). This variant is not present in population databases (gnomAD no frequency). This variant has not been reported in the literature in individuals affected with HNF1B-related conditions. Advanced modeling of protein sequence and biophysical properties (such as structural, functional, and spatial information, amino acid conservation, physicochemical variation, residue mobility, and thermodynamic stability) performed at Invitae indicates that this missense variant is not expected to disrupt HNF1B protein function with a negative predictive value of 80%. In summary, the available evidence is currently insufficient to determine the role of this variant in disease. Therefore, it has been classified as a Variant of Uncertain Significance.